The following is an entry in ClinVar:

ClinVar aggregate classification (germline): Uncertain significance. Review status: criteria provided, multiple submitters, no conflicts (2 of 4 stars). 2 submissions from 2 submitters: Uncertain significance (2). Last evaluated 2025-07-17.

Conditions:
Hereditary cancer-predisposing syndrome. Also called: Neoplastic Syndromes, Hereditary; Tumor predisposition; Hereditary neoplastic syndrome; Hereditary Cancer Syndrome. Identifiers: Orphanet 140162, MedGen C0027672, MeSH D009386, MONDO:0015356.

Allele frequency attached by ClinVar (database versions not stated): gnomAD exomes below 0.00001; TOPMed below 0.00001.
gnomAD v4.1: 1 of 1,611,634 alleles (0.000062%); no homozygotes.

Submissions (2):

Ambry Genetics
Classification: Uncertain significance for Hereditary cancer-predisposing syndrome. Last evaluated: 2025-07-17. Review status: criteria provided, single submitter. Criteria: Ambry Variant Classification Scheme 2023. Collection method: clinical testing. Allele origin: germline.
Comment: The p.D1701V variant (also known as c.5102A>T), located in coding exon 38 of the POLE gene, results from an A to T substitution at nucleotide position 5102. The aspartic acid at codon 1701 is replaced by valine, an amino acid with highly dissimilar properties. This amino acid position is conserved. In addition, this alteration is predicted to be deleterious by in silico analysis. Based on the available evidence, the clinical significance of this variant remains unclear.

Labcorp Genetics (formerly Invitae), Labcorp
Classification: Uncertain significance. Last evaluated: 2023-12-06. Review status: criteria provided, single submitter. Criteria: Invitae Variant Classification Sherloc (09022015). Collection method: clinical testing. Allele origin: germline.
Comment: This sequence change replaces aspartic acid, which is acidic and polar, with valine, which is neutral and non-polar, at codon 1701 of the POLE protein (p.Asp1701Val). This variant is not present in population databases (gnomAD no frequency). This variant has not been reported in the literature in individuals affected with POLE-related conditions. ClinVar contains an entry for this variant (Variation ID: 579886). Advanced modeling of protein sequence and biophysical properties (such as structural, functional, and spatial information, amino acid conservation, physicochemical variation, residue mobility, and thermodynamic stability) performed at Invitae indicates that this missense variant is not expected to disrupt POLE protein function with a negative predictive value of 80%. In summary, the available evidence is currently insufficient to determine the role of this variant in disease. Therefore, it has been classified as a Variant of Uncertain Significance.

NM_006231.4(POLE):c.5102A>T (p.Asp1701Val)

Gene: POLE (DNA polymerase epsilon, catalytic subunit; minus strand). Cytogenetic location: 12q24.33.
Variant type: single nucleotide variant.
Coding change: c.5102A>T on transcript NM_006231.4 (MANE Select); coding-DNA position 5102, A replaced by T.
Protein change: p.Asp1701Val; replaces aspartic acid 1701 with valine.
Molecular consequence: missense variant.
Genome position (GRCh38, 1-based): chr12:132,642,248, T>A on the plus strand (A>T on the coding strand, the complement: POLE is on the minus strand). VCF-style: chr12-132642248-T-A. GRCh37 (hg19) VCF-style: chr12-133218834-T-A.
Other names: c.5102A>T (NM_006231.2); short protein forms D1701V.
Identifiers: ClinVar variation 579886 (VCV000579886.9), dbSNP rs1565936830, ClinGen allele CA387376911.